The following is an entry in ClinVar:

NM_004304.5(ALK):c.1923G>T (p.Glu641Asp)

Gene: ALK (ALK receptor tyrosine kinase; minus strand). Cytogenetic location: 2p23.2.
Variant type: single nucleotide variant.
Coding change: c.1923G>T on transcript NM_004304.5 (MANE Select); coding-DNA position 1923, G replaced by T.
Protein change: p.Glu641Asp; replaces glutamic acid 641 with aspartic acid.
Molecular consequence: missense variant.
Genome position (GRCh38, 1-based): chr2:29,275,217, C>A on the plus strand (G>T on the coding strand, the complement: ALK is on the minus strand). VCF-style: chr2-29275217-C-A. GRCh37 (hg19) VCF-style: chr2-29498083-C-A.
Other names: c.1923G>T (NM_004304.4); short protein forms E641D.
Identifiers: ClinVar variation 1044190 (VCV001044190.10), dbSNP rs1665503142, ClinGen allele CA346479813.

ClinVar aggregate classification (germline): Uncertain significance. Review status: criteria provided, multiple submitters, no conflicts (2 of 4 stars). 2 submissions from 2 submitters: Uncertain significance (2). Last evaluated 2024-06-05.

Conditions:
Neuroblastoma, susceptibility to, 3. Also called: ALK-Related Neuroblastic Tumor Susceptibility. Identifiers: Orphanet 635, MedGen C2751681, MONDO:0013083, OMIM 613014.
Hereditary cancer-predisposing syndrome. Also called: Hereditary neoplastic syndrome; Neoplastic Syndromes, Hereditary; Tumor predisposition; Hereditary Cancer Syndrome. Identifiers: Orphanet 140162, MedGen C0027672, MeSH D009386, MONDO:0015356.

Submissions (2):

Ambry Genetics
Classification: Uncertain significance for Hereditary cancer-predisposing syndrome. Last evaluated: 2024-06-05. Review status: criteria provided, single submitter. Criteria: Ambry Variant Classification Scheme 2023. Collection method: clinical testing. Allele origin: germline.
Comment: The p.E641D variant (also known as c.1923G>T), located in coding exon 11 of the ALK gene, results from a G to T substitution at nucleotide position 1923. The glutamic acid at codon 641 is replaced by aspartic acid, an amino acid with highly similar properties. This amino acid position is conserved. In addition, the in silico prediction for this alteration is inconclusive. Based on the available evidence, the clinical significance of this variant remains unclear.

Labcorp Genetics (formerly Invitae), Labcorp
Classification: Uncertain significance for Neuroblastoma, susceptibility to, 3. Last evaluated: 2020-09-01. Review status: criteria provided, single submitter. Criteria: Invitae Variant Classification Sherloc (09022015). Collection method: clinical testing. Allele origin: germline.
Comment: This variant is not present in population databases (ExAC no frequency). In summary, the available evidence is currently insufficient to determine the role of this variant in disease. Therefore, it has been classified as a Variant of Uncertain Significance. Algorithms developed to predict the effect of missense changes on protein structure and function (SIFT, PolyPhen-2, Align-GVGD) all suggest that this variant is likely to be disruptive, but these predictions have not been confirmed by published functional studies and their clinical significance is uncertain. This variant has not been reported in the literature in individuals with ALK-related conditions. This sequence change replaces glutamic acid with aspartic acid at codon 641 of the ALK protein (p.Glu641Asp). The glutamic acid residue is highly conserved and there is a small physicochemical difference between glutamic acid and aspartic acid.